The following is an entry in ClinVar:

ClinVar aggregate classification (germline): Uncertain significance (1 of 4 stars; one submission).

Submission:

Women's Health and Genetics/Laboratory Corporation of America, LabCorp
Classification: Uncertain significance. Last evaluated: 2023-07-20. Review status: criteria provided, single submitter. Criteria: LabCorp Variant Classification Summary - May 2015. Collection method: clinical testing. Allele origin: germline.
Comment: Variant summary: CPS1 c.2021A>T (p.Asn674Ile) results in a non-conservative amino acid change located in the ATP-binding domain (IPR005479) of the encoded protein sequence. Five of five in-silico tools predict a damaging effect of the variant on protein function. The variant was absent in 250692 control chromosomes (gnomAD). The available data on variant occurrences in the general population are insufficient to allow any conclusion about variant significance. c.2021A>T has been reported in the literature as a compound heterozygous genotype together with a pathogenic variant in an individual affected with late onset Carbamoylphosphate Synthetase I Deficiency (Kurokawa_2007). These data do not allow any conclusion about variant significance. To our knowledge, no experimental evidence demonstrating an impact on protein function has been reported. The following publication has been ascertained in the context of this evaluation (PMID: 17310273). No submitters have cited clinical-significance assessments for this variant to ClinVar after 2014. Based on the evidence outlined above, the variant was classified as uncertain significance.

Literature cited by the submitters: PubMed 17310273.

NM_001875.5(CPS1):c.2021A>T (p.Asn674Ile)

Gene: CPS1 (carbamoyl-phosphate synthase 1; plus strand). Cytogenetic location: 2q34.
Variant type: single nucleotide variant.
Coding change: c.2021A>T on transcript NM_001875.5 (MANE Select); coding-DNA position 2021, A replaced by T.
Protein change: p.Asn674Ile; replaces asparagine 674 with isoleucine.
Molecular consequence: missense variant. On other transcripts: non-coding transcript variant (2).
Genome position (GRCh38, 1-based): chr2:210,606,770, A>T. VCF-style: chr2-210606770-A-T. GRCh37 (hg19) VCF-style: chr2-211471494-A-T.
Other names: c.2021A>T, p.Asn674Ile (NM_001122633.3, NM_001369257.1); c.2054A>T, p.Asn685Ile (NM_001369256.1); short protein forms N674I, N685I.
Identifiers: ClinVar variation 2577361 (VCV002577361.1), dbSNP rs760685002, ClinGen allele CA350438861.